The following is an entry in ClinVar:

NM_000188.3(HK1):c.1881C>G (p.Asp627Glu)

Gene: HK1 (hexokinase 1; plus strand). Cytogenetic location: 10q22.1.
Variant type: single nucleotide variant.
Coding change: c.1881C>G on transcript NM_000188.3 (MANE Select); coding-DNA position 1881, C replaced by G.
Protein change: p.Asp627Glu; replaces aspartic acid 627 with glutamic acid.
Molecular consequence: missense variant.
Genome position (GRCh38, 1-based): chr10:69,386,364, C>G. VCF-style: chr10-69386364-C-G. GRCh37 (hg19) VCF-style: chr10-71146120-C-G.
Other names: c.1881C>G (NM_000188.2); c.1893C>G, p.Asp631Glu (NM_001322364.2, NM_001358263.1, NM_033497.3 and 1 more transcripts); c.1986C>G, p.Asp662Glu (NM_001322365.2); c.1797C>G, p.Asp599Glu (NM_001322366.1); c.1785C>G, p.Asp595Glu (NM_001322367.1); c.1878C>G, p.Asp626Glu (NM_033496.3); c.1845C>G, p.Asp615Glu (NM_033500.2); short protein forms D595E, D615E, D662E, D626E, D599E, D627E, D631E.
Identifiers: ClinVar variation 1374560 (VCV001374560.9), dbSNP rs374806058, ClinGen allele CA5532714.

ClinVar aggregate classification (germline): Uncertain significance. Review status: criteria provided, multiple submitters, no conflicts (2 of 4 stars). 2 submissions from 2 submitters: Uncertain significance (2). Last evaluated 2026-06-21.

Conditions:
HK1-related disorder. Also called: HK1-related disorders; HK1-related condition.

Allele frequency attached by ClinVar (database versions not stated): ExAC 0.00002; gnomAD 0.00002 and 0.00003; gnomAD exomes 0.00002 and 0.00005; TOPMed 0.00003; ESP Exome Variant Server 0.00008.
gnomAD v4.1: 77 of 1,613,960 alleles (0.0048%); highest among the groups gnomAD compares: Non-Finnish European, 0.0062%; no homozygotes.

Submissions (2):

PreventionGenetics, part of Exact Sciences
Classification: Uncertain significance for HK1-related condition. Last evaluated: 2026-06-21. Review status: criteria provided, single submitter. Criteria: ACMG Guidelines, 2015. Collection method: clinical testing. Allele origin: germline.
Comment: The HK1 c.1881C>G variant is predicted to result in the amino acid substitution p.Asp627Glu. To our knowledge, this variant has not been reported in the literature. This variant is reported in 0.0046% of alleles in individuals of European (Non-Finnish) descent in gnomAD. At this time, the clinical significance of this variant is uncertain due to the absence of conclusive functional and genetic evidence.

Labcorp Genetics (formerly Invitae), Labcorp
Classification: Uncertain significance. Last evaluated: 2024-03-27. Review status: criteria provided, single submitter. Criteria: Invitae Variant Classification Sherloc (09022015). Collection method: clinical testing. Allele origin: germline.
Comment: This sequence change replaces aspartic acid, which is acidic and polar, with glutamic acid, which is acidic and polar, at codon 627 of the HK1 protein (p.Asp627Glu). This variant is present in population databases (rs374806058, gnomAD 0.005%). This variant has not been reported in the literature in individuals affected with HK1-related conditions. ClinVar contains an entry for this variant (Variation ID: 1374560). Advanced modeling of protein sequence and biophysical properties (such as structural, functional, and spatial information, amino acid conservation, physicochemical variation, residue mobility, and thermodynamic stability) performed at Invitae indicates that this missense variant is not expected to disrupt HK1 protein function with a negative predictive value of 80%. In summary, the available evidence is currently insufficient to determine the role of this variant in disease. Therefore, it has been classified as a Variant of Uncertain Significance.